The following is an entry in ClinVar:

NM_006493.4(CLN5):c.947T>G (p.Ile316Ser)

Gene: CLN5 (CLN5 lysosomal BMP synthase; plus strand). Cytogenetic location: 13q22.3.
Variant type: single nucleotide variant.
Coding change: c.947T>G on transcript NM_006493.4 (MANE Select); coding-DNA position 947, T replaced by G.
Protein change: p.Ile316Ser; replaces isoleucine 316 with serine.
Molecular consequence: missense variant. On other transcripts: 3 prime UTR variant (1).
Genome position (GRCh38, 1-based): chr13:77,000,839, T>G. VCF-style: chr13-77000839-T-G. GRCh37 (hg19) VCF-style: chr13-77574974-T-G.
Other names: c.*396T>G (NM_001366624.2); short protein forms I365S, I316S.
Identifiers: ClinVar variation 2172922 (VCV002172922.4), dbSNP rs182060681, ClinGen allele CA252177674.

ClinVar aggregate classification (germline): Uncertain significance (1 of 4 stars; one submission).

Conditions:
Neuronal ceroid lipofuscinosis. Also called: Neuronal Ceroid Lipofuscinoses. Identifiers: Orphanet 216, Orphanet 79263, MedGen C0027877, MONDO:0016295. Disease mechanism: loss of function.

Submission:

Labcorp Genetics (formerly Invitae), Labcorp
Classification: Uncertain significance for Neuronal ceroid lipofuscinosis. Last evaluated: 2022-02-09. Review status: criteria provided, single submitter. Criteria: Invitae Variant Classification Sherloc (09022015). Collection method: clinical testing. Allele origin: germline.
Comment: This variant is not present in population databases (gnomAD no frequency). In summary, the available evidence is currently insufficient to determine the role of this variant in disease. Therefore, it has been classified as a Variant of Uncertain Significance. Algorithms developed to predict the effect of missense changes on protein structure and function are either unavailable or do not agree on the potential impact of this missense change (SIFT: "Deleterious"; PolyPhen-2: "Benign"; Align-GVGD: "Class C0"). This variant has not been reported in the literature in individuals affected with CLN5-related conditions. This sequence change replaces isoleucine, which is neutral and non-polar, with serine, which is neutral and polar, at codon 365 of the CLN5 protein (p.Ile365Ser).